The following is an entry in ClinVar:

NM_201384.3(PLEC):c.2509T>A (p.Ser837Thr)

Gene: PLEC (plectin; minus strand). Cytogenetic location: 8q24.3.
Variant type: single nucleotide variant.
Coding change: c.2509T>A on transcript NM_201384.3 (MANE Select); coding-DNA position 2509, T replaced by A.
Protein change: p.Ser837Thr; replaces serine 837 with threonine.
Molecular consequence: missense variant.
Genome position (GRCh38, 1-based): chr8:143,930,247, A>T on the plus strand (T>A on the coding strand, the complement: PLEC is on the minus strand). VCF-style: chr8-143930247-A-T. GRCh37 (hg19) VCF-style: chr8-145004415-A-T.
Other names: c.2590T>A, p.Ser864Thr (NM_000445.5, NM_001410941.1); c.2467T>A, p.Ser823Thr (NM_201378.4); c.2443T>A, p.Ser815Thr (NM_201379.3); c.2920T>A, p.Ser974Thr (NM_201380.4); c.2413T>A, p.Ser805Thr (NM_201381.3); c.2509T>A, p.Ser837Thr (NM_201382.4); c.2521T>A, p.Ser841Thr (NM_201383.3); short protein forms S823T, S864T, S805T, S815T, S837T, S841T, S974T.
Identifiers: ClinVar variation 4790935 (VCV004790935.1).

ClinVar aggregate classification (germline): Uncertain significance (1 of 4 stars; one submission).

Conditions:
Epidermolysis bullosa simplex with nail dystrophy (EBS5D). Identifiers: MedGen C4225309, MONDO:0014661, OMIM 616487.
Epidermolysis bullosa simplex, Ogna type (EBS5A). Also called: EPIDERMOLYSIS BULLOSA SIMPLEX 5A, OGNA TYPE; Pidermolysis bullosa simplex 5A, Ogna type. Identifiers: Orphanet 79401, MedGen C0432317, MONDO:0007555, OMIM 131950.
Autosomal recessive limb-girdle muscular dystrophy type 2Q (LGMDR17). Also called: MUSCULAR DYSTROPHY, LIMB-GIRDLE, AUTOSOMAL RECESSIVE 17. Identifiers: Orphanet 254361, MedGen C3150989, MONDO:0013390, OMIM 613723.
Epidermolysis bullosa simplex 5B, with muscular dystrophy (EBS5B). Also called: EPIDERMOLYSIS BULLOSA SIMPLEX AND LIMB-GIRDLE MUSCULAR DYSTROPHY; Epidermolysis bullosa simplex with muscular dystrophy. Identifiers: Orphanet 257, MedGen C2931072, MONDO:0009181, OMIM 226670.
Epidermolysis bullosa simplex 5C, with pyloric atresia (EBS5C). Also called: PLEC-Related Epidermolysis Bullosa with Pyloric Atresia; Epidermolysis bullosa simplex with pyloric atresia; PLEC1-Related Epidermolysis Bullosa with Pyloric Atresia. Identifiers: Orphanet 158684, MedGen C2677349, MONDO:0012807, OMIM 612138.

gnomAD v4.1: 4 of 1,598,534 alleles (0.00025%); highest among the groups gnomAD compares: Non-Finnish European, 0.00025%; no homozygotes.

Submission:

Labcorp Genetics (formerly Invitae), Labcorp
Classification: Uncertain significance for Autosomal recessive limb-girdle muscular dystrophy type 2Q; Epidermolysis bullosa simplex, Ogna type; Epidermolysis bullosa simplex with nail dystrophy; Epidermolysis bullosa simplex 5C, with pyloric atresia; Epidermolysis bullosa simplex 5B, with muscular dystrophy. Last evaluated: 2025-07-22. Review status: criteria provided, single submitter. Criteria: Invitae Variant Classification Sherloc (09022015). Collection method: clinical testing. Allele origin: germline.
Comment: This sequence change replaces serine, which is neutral and polar, with threonine, which is neutral and polar, at codon 864 of the PLEC protein (p.Ser864Thr). This variant is present in population databases (no rsID available, gnomAD 0.01%). This variant has not been reported in the literature in individuals affected with PLEC-related conditions. Invitae Evidence Modeling of protein sequence and biophysical properties (such as structural, functional, and spatial information, amino acid conservation, physicochemical variation, residue mobility, and thermodynamic stability) indicates that this missense variant is expected to disrupt PLEC protein function with a positive predictive value of 80%. In summary, the available evidence is currently insufficient to determine the role of this variant in disease. Therefore, it has been classified as a Variant of Uncertain Significance.